The following is an entry in ClinVar:

ClinVar aggregate classification (germline): Uncertain significance (1 of 4 stars; one submission).

Submission:

GeneDx
Classification: Uncertain significance. Last evaluated: 2023-06-29. Review status: criteria provided, single submitter. Criteria: GeneDx Variant Classification Process June 2021. Collection method: clinical testing. Allele origin: germline. Affected: yes.
Comment: Not observed at significant frequency in large population cohorts (gnomAD); In-frame insertion of 1 amino acid in a non-repeat region; Has not been previously published as pathogenic or benign to our knowledge

NM_198880.3(QRICH1):c.1158_1159insTTC (p.Ala386_Gln387insPhe)

Gene: QRICH1 (glutamine rich 1; minus strand). Cytogenetic location: 3p21.31.
Variant type: Insertion.
Coding change: c.1158_1159insTTC on transcript NM_198880.3 (MANE Select); coding-DNA positions 1158 to 1159, TTC inserted.
Protein change: p.Ala386_Gln387insPhe.
Genome position: GRCh38 VCF-style: chr3-49057041-G-GGAA. GRCh37 (hg19) VCF-style: chr3-49094474-G-GGAA.
Other names: c.1158_1159insTTC, p.Ala386_Gln387insPhe (NM_001320580.2, NM_001320581.2, NM_001320582.2 and 4 more transcripts).
Identifiers: ClinVar variation 3360079 (VCV003360079.1).